The following is an entry in ClinVar:

ClinVar aggregate classification (germline): Uncertain significance (1 of 4 stars; one submission).

Allele frequency attached by ClinVar (database versions not stated): TOPMed below 0.00001; 1000 Genomes Project 30x 0.00016; 1000 Genomes Project 0.00020.
gnomAD v4.1: 1 of 1,614,176 alleles (0.000062%); highest among the groups gnomAD compares: East Asian, 0.0022%; no homozygotes.

Submission:

Labcorp Genetics (formerly Invitae), Labcorp
Classification: Uncertain significance. Last evaluated: 2022-07-01. Review status: criteria provided, single submitter. Criteria: Invitae Variant Classification Sherloc (09022015). Collection method: clinical testing. Allele origin: germline.
Comment: This variant is present in population databases (rs184685154, gnomAD 0.006%). In summary, the available evidence is currently insufficient to determine the role of this variant in disease. Therefore, it has been classified as a Variant of Uncertain Significance. Algorithms developed to predict the effect of missense changes on protein structure and function (SIFT, PolyPhen-2, Align-GVGD) all suggest that this variant is likely to be disruptive. This variant has not been reported in the literature in individuals affected with LAMC3-related conditions. This sequence change replaces glutamic acid, which is acidic and polar, with aspartic acid, which is acidic and polar, at codon 143 of the LAMC3 protein (p.Glu143Asp).

NM_006059.4(LAMC3):c.429G>C (p.Glu143Asp)

Gene: LAMC3 (laminin subunit gamma 3; plus strand). Cytogenetic location: 9q34.12.
Variant type: single nucleotide variant.
Coding change: c.429G>C on transcript NM_006059.4 (MANE Select); coding-DNA position 429, G replaced by C.
Protein change: p.Glu143Asp; replaces glutamic acid 143 with aspartic acid.
Molecular consequence: missense variant.
Genome position (GRCh38, 1-based): chr9:131,026,340, G>C. VCF-style: chr9-131026340-G-C. GRCh37 (hg19) VCF-style: chr9-133901727-G-C.
Other names: short protein forms E143D.
Identifiers: ClinVar variation 1915616 (VCV001915616.5), dbSNP rs184685154, ClinGen allele CA5286688.
Genomic context (GRCh38, chr9:131,026,340, plus strand): 5'-TGCAGGGAAGGCTTATGAGATCACGTATGTGAGGCTGAAGTTCCACACCAGTCGCCCTGA[G>C]AGCTTTGCCATCTACAAGCGCAGCCGCGCCGACGGCCCATGGGAGCCCTACCAGTTCTAC-3'
Protein context (NP_006050.3, residues 133-153): VRLKFHTSRP[Glu143Asp]SFAIYKRSRA